The following is an entry in ClinVar:

ClinVar aggregate classification (germline): Uncertain significance (1 of 4 stars; one submission).

Submission:

GeneDx
Classification: Uncertain significance. Last evaluated: 2022-06-15. Review status: criteria provided, single submitter. Criteria: GeneDx Variant Classification Process June 2021. Collection method: clinical testing. Allele origin: germline. Affected: yes.
Comment: Not observed at significant frequency in large population cohorts (gnomAD); In silico analysis supports that this missense variant has a deleterious effect on protein structure/function; Has not been previously published as pathogenic or benign to our knowledge

NM_015015.3(KDM4B):c.519C>G (p.Asn173Lys)

Gene: KDM4B (lysine demethylase 4B; plus strand). Cytogenetic location: 19p13.3.
Variant type: single nucleotide variant.
Coding change: c.519C>G on transcript NM_015015.3 (MANE Select); coding-DNA position 519, C replaced by G.
Protein change: p.Asn173Lys; replaces asparagine 173 with lysine.
Molecular consequence: missense variant.
Genome position (GRCh38, 1-based): chr19:5,047,562, C>G. VCF-style: chr19-5047562-C-G. GRCh37 (hg19) VCF-style: chr19-5047573-C-G.
Other names: c.519C>G, p.Asn173Lys (NM_001370093.1, NM_001370094.1, NM_001411148.1); short protein forms N173K.
Identifiers: ClinVar variation 1806501 (VCV001806501.1), dbSNP rs2512269596, ClinGen allele CA403492061.